The following is an entry in ClinVar:

NM_000258.3(MYL3):c.519G>A (p.Met173Ile)

Gene: MYL3 (myosin light chain 3; minus strand). Cytogenetic location: 3p21.31.
Variant type: single nucleotide variant.
Coding change: c.519G>A on transcript NM_000258.3 (MANE Select); coding-DNA position 519, G replaced by A.
Protein change: p.Met173Ile; replaces methionine 173 with isoleucine.
Molecular consequence: missense variant.
Genome position (GRCh38, 1-based): chr3:46,858,424, C>T on the plus strand (G>A on the coding strand, the complement: MYL3 is on the minus strand). VCF-style: chr3-46858424-C-T. GRCh37 (hg19) VCF-style: chr3-46899914-C-T.
Other names: c.519G>A, p.Met173Ile (NM_001406937.1, NM_001406938.1, NM_001406939.1); c.345G>A, p.Met115Ile (NM_001406940.1); c.330G>A, p.Met110Ile (NM_001406941.1); short protein forms M173I, M110I, M115I.
Identifiers: ClinVar variation 3651962 (VCV003651962.2).

ClinVar aggregate classification (germline): Uncertain significance (1 of 4 stars; one submission).

Conditions:
Hypertrophic cardiomyopathy. Also called: HYPERTROPHIC MYOCARDIOPATHY. Identifiers: Orphanet 217569, MedGen C0007194, MeSH D002312, MONDO:0005045, HP:0001639.

Submission:

Labcorp Genetics (formerly Invitae), Labcorp
Classification: Uncertain significance for Hypertrophic cardiomyopathy. Last evaluated: 2024-05-02. Review status: criteria provided, single submitter. Criteria: Invitae Variant Classification Sherloc (09022015). Collection method: clinical testing. Allele origin: germline.
Comment: This sequence change replaces methionine, which is neutral and non-polar, with isoleucine, which is neutral and non-polar, at codon 173 of the MYL3 protein (p.Met173Ile). This variant is not present in population databases (gnomAD no frequency). This variant has not been reported in the literature in individuals affected with MYL3-related conditions. An algorithm developed to predict the effect of missense changes on protein structure and function (PolyPhen-2) suggests that this variant is likely to be disruptive. In summary, the available evidence is currently insufficient to determine the role of this variant in disease. Therefore, it has been classified as a Variant of Uncertain Significance.